The following is an entry in ClinVar:

NC_000005.9:g.(?_131705778)_(131706791_?)del

Gene: SLC22A5 (solute carrier family 22 member 5; plus strand). Cytogenetic location: 5q31.1.
Variant type: Deletion.
Identifiers: ClinVar variation 3246305 (VCV003246305.1).

ClinVar aggregate classification (germline): Pathogenic (1 of 4 stars; one submission).

Conditions:
Renal carnitine transport defect (CDSP). Also called: Carnitine transporter deficiency; Carnitine Deficiency, Systemic; Systemic primary carnitine deficiency disease; CARNITINE DEFICIENCY, SYSTEMIC, DUE TO DEFECT IN RENAL REABSORPTION OF CARNITINE; CARNITINE TRANSPORTER, PLASMA-MEMBRANE, DEFICIENCY OF; CARNITINE UPTAKE DEFECT. Identifiers: Orphanet 158, MedGen C0342788, MONDO:0008919, OMIM 212140.

Submission:

Labcorp Genetics (formerly Invitae), Labcorp
Classification: Pathogenic for Renal carnitine transport defect. Last evaluated: 2023-10-25. Review status: criteria provided, single submitter. Criteria: Invitae Variant Classification Sherloc (09022015). Collection method: clinical testing. Allele origin: unknown.
Comment: This variant results in the deletion of part of exon 1 (c.114_393+734del) of the SLC22A5 gene. It is expected to disrupt RNA splicing. Variants that disrupt the donor or acceptor splice site typically lead to a loss of protein function (PMID: 16199547), and loss-of-function variants in SLC22A5 are known to be pathogenic (PMID: 9916797). This variant has not been reported in the literature in individuals affected with SLC22A5-related conditions. This variant disrupts a region of the SLC22A5 protein in which other variant(s) (p.Asp122Tyr) have been determined to be pathogenic (PMID: 20574985, 21864509; Invitae). This suggests that this is a clinically significant region of the protein, and that variants that disrupt it are likely to be disease-causing. For these reasons, this variant has been classified as Pathogenic.

Literature cited by the submitters: PubMed 16199547; PubMed 9916797; PubMed 20574985; PubMed 21864509.